The following is an entry in ClinVar:

ClinVar aggregate classification (germline): Uncertain significance (1 of 4 stars; one submission).

Conditions:
Brugada syndrome 5 (BRGDA5). Identifiers: Orphanet 130, Orphanet 871, MedGen C2748541, MONDO:0013015, OMIM 612838.

gnomAD v4.1: 1 of 963,146 alleles (0.0001%); highest among the groups gnomAD compares: Non-Finnish European, 0.00013%; no homozygotes.

Submission:

Labcorp Genetics (formerly Invitae), Labcorp
Classification: Uncertain significance for Brugada syndrome 5. Last evaluated: 2022-03-23. Review status: criteria provided, single submitter. Criteria: Invitae Variant Classification Sherloc (09022015). Collection method: clinical testing. Allele origin: germline.
Comment: This sequence change replaces glycine, which is neutral and non-polar, with aspartic acid, which is acidic and polar, at codon 10 of the SCN1B protein (p.Gly10Asp). This variant is not present in population databases (gnomAD no frequency). This variant has not been reported in the literature in individuals affected with SCN1B-related conditions. ClinVar contains an entry for this variant (Variation ID: 470178). Algorithms developed to predict the effect of missense changes on protein structure and function are either unavailable or do not agree on the potential impact of this missense change (SIFT: "Tolerated"; PolyPhen-2: "Not Available"; Align-GVGD: "Class C0"). In summary, the available evidence is currently insufficient to determine the role of this variant in disease. Therefore, it has been classified as a Variant of Uncertain Significance.

NM_001037.5(SCN1B):c.29G>A (p.Gly10Asp)

Gene: SCN1B (sodium voltage-gated channel beta subunit 1; plus strand). Cytogenetic location: 19q13.11.
Variant type: single nucleotide variant.
Coding change: c.29G>A on transcript NM_001037.5 (MANE Select); coding-DNA position 29, G replaced by A.
Protein change: p.Gly10Asp; replaces glycine 10 with aspartic acid.
Molecular consequence: missense variant.
Genome position (GRCh38, 1-based): chr19:35,030,849, G>A. VCF-style: chr19-35030849-G-A. GRCh37 (hg19) VCF-style: chr19-35521753-G-A.
Other names: c.29G>A, p.Gly10Asp (NM_199037.5); short protein forms G10D.
Identifiers: ClinVar variation 470178 (VCV000470178.8), dbSNP rs1555720384, ClinGen allele CA405327834.